The following is an entry in ClinVar:

ClinVar aggregate classification (germline): Pathogenic (1 of 4 stars; one submission).

Conditions:
Deficiency of alpha-mannosidase (MANSA). Also called: Mannosidosis, alpha-, types I and II; Alpha-Mannosidosis; LYSOSOMAL ALPHA-D-MANNOSIDASE DEFICIENCY. Identifiers: Orphanet 61, MedGen C0024748, MONDO:0009561, OMIM 248500.

gnomAD v4.1: 1 of 1,614,098 alleles (0.000062%); highest among the groups gnomAD compares: Non-Finnish European, 0.000085%; no homozygotes.

Submission:

Labcorp Genetics (formerly Invitae), Labcorp
Classification: Pathogenic for Deficiency of alpha-mannosidase. Last evaluated: 2022-04-25. Review status: criteria provided, single submitter. Criteria: Invitae Variant Classification Sherloc (09022015). Collection method: clinical testing. Allele origin: germline.
Comment: For these reasons, this variant has been classified as Pathogenic. This variant has not been reported in the literature in individuals affected with MAN2B1-related conditions. This variant is not present in population databases (gnomAD no frequency). This sequence change creates a premature translational stop signal (p.Glu286*) in the MAN2B1 gene. It is expected to result in an absent or disrupted protein product. Loss-of-function variants in MAN2B1 are known to be pathogenic (PMID: 9915946, 22161967).

Literature cited by the submitters: PubMed 9915946; PubMed 22161967.

NM_000528.4(MAN2B1):c.856G>T (p.Glu286Ter)

Gene: MAN2B1 (mannosidase alpha class 2B member 1; minus strand). Cytogenetic location: 19p13.13.
Variant type: single nucleotide variant.
Coding change: c.856G>T on transcript NM_000528.4 (MANE Select); coding-DNA position 856, G replaced by T.
Protein change: p.Glu286Ter; replaces glutamic acid 286 with a stop codon.
Molecular consequence: nonsense.
Genome position (GRCh38, 1-based): chr19:12,663,370, C>A on the plus strand (G>T on the coding strand, the complement: MAN2B1 is on the minus strand). VCF-style: chr19-12663370-C-A. GRCh37 (hg19) VCF-style: chr19-12774184-C-A.
Other names: c.856G>T, p.Glu286Ter (NM_001173498.2); short protein forms E286*.
Identifiers: ClinVar variation 2130480 (VCV002130480.4), dbSNP rs772562587, ClinGen allele CA404252077.
Genomic context (GRCh38, chr19:12,663,370, plus strand): 5'-GGGTTACCTGGGCAGTGGCCACATTTAGGAAGTAATCGACCAGCTCCTTGGCGTTGTACT[C>A]GGGGCTGCGAGGGTCCTCCACCAGCGGCTGATCGACACACAGCACATCCCAGCACAGATT-3'